The following is an entry in ClinVar:

NM_152703.5(SAMD9L):c.3413A>G (p.Asn1138Ser)

Gene: SAMD9L (sterile alpha motif domain containing 9 like; minus strand). Cytogenetic location: 7q21.2.
Variant type: single nucleotide variant.
Coding change: c.3413A>G on transcript NM_152703.5 (MANE Select); coding-DNA position 3413, A replaced by G.
Protein change: p.Asn1138Ser; replaces asparagine 1138 with serine.
Molecular consequence: missense variant.
Genome position (GRCh38, 1-based): chr7:93,132,559, T>C on the plus strand (A>G on the coding strand, the complement: SAMD9L is on the minus strand). VCF-style: chr7-93132559-T-C. GRCh37 (hg19) VCF-style: chr7-92761872-T-C.
Other names: c.3413A>G, p.Asn1138Ser (NM_001303496.3, NM_001303497.3, NM_001303498.3 and 5 more transcripts); short protein forms N1138S.
Identifiers: ClinVar variation 3949983 (VCV003949983.1).

ClinVar aggregate classification (germline): Uncertain significance (1 of 4 stars; one submission).

Conditions:
Inborn genetic diseases. Identifiers: MedGen C0950123, MeSH D030342.

Submission:

Ambry Genetics
Classification: Uncertain significance for Inborn genetic diseases. Last evaluated: 2025-05-31. Review status: criteria provided, single submitter. Criteria: Ambry Variant Classification Scheme 2023. Collection method: clinical testing. Allele origin: germline.
Comment: The p.N1138S variant (also known as c.3413A>G), located in coding exon 1 of the SAMD9L gene, results from an A to G substitution at nucleotide position 3413. The asparagine at codon 1138 is replaced by serine, an amino acid with highly similar properties. This amino acid position is conserved. In addition, this alteration is predicted to be tolerated by in silico analysis. Based on the available evidence, the clinical significance of this variant remains unclear.